The following is an entry in ClinVar:

ClinVar aggregate classification (germline): Uncertain significance. Review status: criteria provided, multiple submitters, no conflicts (2 of 4 stars). 2 submissions from 2 submitters: Uncertain significance (2). Last evaluated 2025-04-29.

Conditions:
Joubert syndrome 21 (JBTS21). Identifiers: MedGen C3810212, MONDO:0014288, OMIM 615636.
Inborn genetic diseases. Identifiers: MedGen C0950123, MeSH D030342.

Allele frequency attached by ClinVar (database versions not stated): TOPMed below 0.00001; gnomAD 0.00001 and 0.00002.
gnomAD v4.1: 54 of 1,613,360 alleles (0.0033%); highest among the groups gnomAD compares: Non-Finnish European, 0.0043%; no homozygotes.

Submissions (2):

Ambry Genetics
Classification: Uncertain significance for Inborn genetic diseases. Last evaluated: 2025-04-29. Review status: criteria provided, single submitter. Criteria: Ambry Variant Classification Scheme 2023. Collection method: clinical testing. Allele origin: germline.

Labcorp Genetics (formerly Invitae), Labcorp
Classification: Uncertain significance for Joubert syndrome 21. Last evaluated: 2022-08-07. Review status: criteria provided, single submitter. Criteria: Invitae Variant Classification Sherloc (09022015). Collection method: clinical testing. Allele origin: germline.
Comment: This variant is present in population databases (rs749026327, gnomAD 0.007%). This variant has not been reported in the literature in individuals affected with CSPP1-related conditions. ClinVar contains an entry for this variant (Variation ID: 1377079). Algorithms developed to predict the effect of missense changes on protein structure and function (SIFT, PolyPhen-2, Align-GVGD) all suggest that this variant is likely to be tolerated. In summary, the available evidence is currently insufficient to determine the role of this variant in disease. Therefore, it has been classified as a Variant of Uncertain Significance. This sequence change replaces asparagine, which is neutral and polar, with lysine, which is basic and polar, at codon 252 of the CSPP1 protein (p.Asn252Lys).

NM_001382391.1(CSPP1):c.729C>G (p.Asn243Lys)

Gene: CSPP1 (centrosome and spindle pole associated protein 1; plus strand). Cytogenetic location: 8q13.1.
Variant type: single nucleotide variant.
Coding change: c.729C>G on transcript NM_001382391.1 (MANE Select); coding-DNA position 729, C replaced by G.
Protein change: p.Asn243Lys; replaces asparagine 243 with lysine.
Molecular consequence: missense variant. On other transcripts: 5 prime UTR variant (1).
Genome position (GRCh38, 1-based): chr8:67,095,538, C>G. VCF-style: chr8-67095538-C-G. GRCh37 (hg19) VCF-style: chr8-68007773-C-G.
Other names: c.-127C>G (NM_001291339.2); c.648C>G, p.Asn216Lys (NM_001363131.2, NM_001363133.2); c.729C>G, p.Asn243Lys (NM_001363132.2); c.837C>G, p.Asn279Lys (NM_001364869.1); c.756C>G, p.Asn252Lys (NM_001364870.1, NM_024790.7); short protein forms N216K, N279K, N243K, N252K.
Identifiers: ClinVar variation 1377079 (VCV001377079.8), dbSNP rs749026327, ClinGen allele CA4770348.